The following is an entry in ClinVar:

NM_001009944.3(PKD1):c.5646G>A (p.Thr1882=)

Gene: PKD1 (polycystin 1, transient receptor potential channel interacting; minus strand). Cytogenetic location: 16p13.3.
Variant type: single nucleotide variant.
Coding change: c.5646G>A on transcript NM_001009944.3 (MANE Select); coding-DNA position 5646, G replaced by A.
Protein change: p.Thr1882=; no amino-acid change (threonine 1882 retained).
Molecular consequence: synonymous variant.
Genome position (GRCh38, 1-based): chr16:2,109,521, C>T on the plus strand (G>A on the coding strand, the complement: PKD1 is on the minus strand). VCF-style: chr16-2109521-C-T. GRCh37 (hg19) VCF-style: chr16-2159522-C-T.
Other names: c.5646G>A, p.Thr1882= (NM_000296.4).
Identifiers: ClinVar variation 4983915 (VCV004983915.1).

ClinVar aggregate classification (germline): Likely benign (1 of 4 stars; one submission).

Conditions:
PKD1-related disorder. Also called: PKD1-related condition.

gnomAD v4.1: 116 of 1,610,546 alleles (0.0072%); highest among the groups gnomAD compares: Middle Eastern, 0.018%; no homozygotes.

Submission:

PreventionGenetics, part of Exact Sciences
Classification: Likely benign for PKD1-related condition. Last evaluated: 2026-09-14. Review status: criteria provided, single submitter. Criteria: ACMG Guidelines, 2015. Collection method: clinical testing. Allele origin: germline.
Comment: This variant is classified as likely benign based on ACMG/AMP sequence variant interpretation guidelines (Richards et al. 2015 PMID: 25741868, with internal and published modifications).